The following is an entry in ClinVar:

NM_000414.4(HSD17B4):c.1528G>A (p.Asp510Asn)

Gene: HSD17B4 (hydroxysteroid 17-beta dehydrogenase 4; plus strand). Cytogenetic location: 5q23.1.
Variant type: single nucleotide variant.
Coding change: c.1528G>A on transcript NM_000414.4 (MANE Select); coding-DNA position 1528, G replaced by A.
Protein change: p.Asp510Asn; replaces aspartic acid 510 with asparagine.
Molecular consequence: missense variant.
Genome position (GRCh38, 1-based): chr5:119,525,240, G>A. VCF-style: chr5-119525240-G-A. GRCh37 (hg19) VCF-style: chr5-118860935-G-A.
Other names: c.1603G>A, p.Asp535Asn (NM_001199291.3); c.1474G>A, p.Asp492Asn (NM_001199292.2); c.1456G>A, p.Asp486Asn (NM_001292027.2); c.1108G>A, p.Asp370Asn (NM_001292028.2); short protein forms D510N, D486N, D370N, D492N, D535N.
Identifiers: ClinVar variation 372681 (VCV000372681.13), dbSNP rs191468413, ClinGen allele CA3382301.

ClinVar aggregate classification (germline): Conflicting classifications of pathogenicity. Review status: criteria provided, conflicting classifications (1 of 4 stars). 3 submissions from 3 submitters: Likely pathogenic (1); Uncertain significance (2). Last evaluated 2025-09-13.

Conditions:
Perrault syndrome. Also called: Gonadal dysgenesis with auditory dysfunction, autosomal recessive inheritance. Identifiers: Orphanet 2855, MedGen C0685838, MONDO:0017312.
Bifunctional peroxisomal enzyme deficiency (DBIF). Also called: DBP DEFICIENCY; PBFE DEFICIENCY; D-bifunctional protein deficiency. Identifiers: Orphanet 300, MedGen C0342870, MONDO:0009855, OMIM 261515. Disease mechanism: loss of function.

Allele frequency attached by ClinVar (database versions not stated): gnomAD exomes 0.00002; 1000 Genomes Project 0.00020; ExAC 0.00001; TOPMed 0.00002; 1000 Genomes Project 30x 0.00016.
gnomAD v4.1: 15 of 1,612,484 alleles (0.00093%); highest among the groups gnomAD compares: Admixed American, 0.02%; no homozygotes.

Submissions (3):

GeneDx
Classification: Likely pathogenic. Last evaluated: 2025-09-13. Review status: criteria provided, single submitter. Criteria: GeneDx Variant Classification Process June 2021. Collection method: clinical testing. Allele origin: germline. Affected: yes.
Comment: Reported with a second HSD17B4 variant on the opposite allele (in trans) in a patient with progressive spasticity, abnormality of peripheral nerve conduction, and developmental regression in the published literature (PMID: 34440436); In silico analysis supports that this missense variant has a deleterious effect on protein structure/function; Not observed at significant frequency in large population cohorts (gnomAD); This variant is associated with the following publications: (PMID: 34440436)

Labcorp Genetics (formerly Invitae), Labcorp
Classification: Uncertain significance for Perrault syndrome; Bifunctional peroxisomal enzyme deficiency. Last evaluated: 2022-08-15. Review status: criteria provided, single submitter. Criteria: Invitae Variant Classification Sherloc (09022015). Collection method: clinical testing. Allele origin: germline.
Comment: This sequence change replaces aspartic acid, which is acidic and polar, with asparagine, which is neutral and polar, at codon 510 of the HSD17B4 protein (p.Asp510Asn). This variant is present in population databases (rs191468413, gnomAD 0.009%). This missense change has been observed in individual(s) with D-bifunctional protein deficiency (PMID: 34440436). ClinVar contains an entry for this variant (Variation ID: 372681). Advanced modeling of protein sequence and biophysical properties (such as structural, functional, and spatial information, amino acid conservation, physicochemical variation, residue mobility, and thermodynamic stability) performed at Invitae indicates that this missense variant is expected to disrupt HSD17B4 protein function. In summary, the available evidence is currently insufficient to determine the role of this variant in disease. Therefore, it has been classified as a Variant of Uncertain Significance.

Eurofins Ntd Llc (ga)
Classification: Uncertain significance. Last evaluated: 2017-11-28. Review status: criteria provided, single submitter. Criteria: EGL Classification Definitions 2015. Collection method: clinical testing. Allele origin: germline. Observed: 1 variant allele, 1 heterozygote.

Literature cited by the submitters: PubMed 34440436 (cited by Labcorp Genetics (formerly Invitae), Labcorp).